The following is an entry in ClinVar:

NM_025114.4(CEP290):c.1347dup (p.Asp450fs)

Gene: CEP290 (centrosomal protein 290; minus strand). Cytogenetic location: 12q21.32.
Variant type: Duplication.
Coding change: c.1347dup on transcript NM_025114.4 (MANE Select); coding-DNA position 1347, one base duplicated (A; older notation c.1347dupA).
Protein change: p.Asp450fs; shifts the reading frame from aspartic acid 450.
Molecular consequence: frameshift variant.
Genome position (GRCh38, 1-based): chr12:88,121,009, T duplicated on the plus strand (A on the coding strand, the reverse complement: CEP290 is on the minus strand); the first of 4 consecutive T bases (chr12:88,121,009-88,121,012); duplicating any one gives the same sequence. VCF-style (leftmost placement, unchanged base first): chr12-88121008-C-CT. GRCh37 (hg19) VCF-style: chr12-88514785-C-CT.
Other names: NM_025114.4(CEP290):c.1347dup; p.Asp450fs; short protein forms D450fs.
Identifiers: ClinVar variation 866808 (VCV000866808.11), dbSNP rs774490795, ClinGen allele CA6712578.

ClinVar aggregate classification (germline): Likely pathogenic. Review status: reviewed by expert panel (3 of 4 stars). 5 submissions from 5 submitters: Likely pathogenic (1). 4 of the submissions do not count toward it. Last evaluated 2026-07-20.

Conditions:
CEP290-related ciliopathy. Also called: CEP290 ciliopathy. Identifiers: MedGen CN305601, MONDO:0100451.
CEP290-related disorder. Also called: CEP290-related condition; CEP290-related disorders. Identifiers: MedGen CN239314.
Nephronophthisis. Also called: Juvenile Nephronophthisis. Identifiers: Orphanet 655, MedGen C0687120, MONDO:0019005, HP:0000090.
Joubert syndrome. Also called: JOUBERT-BOLTSHAUSER SYNDROME; Familial aplasia of the vermis. Identifiers: Orphanet 475, MedGen C5979921, MONDO:0018772.
Meckel-Gruber syndrome. Also called: GRUBER SYNDROME; Dysencephalia splachnocystica; DYSENCEPHALIA SPLANCHNOCYSTICA. Identifiers: Orphanet 564, MedGen C0265215, MONDO:0018921.
Bardet-Biedl syndrome 14 (BBS14). Identifiers: Orphanet 110, MedGen C2673874, MONDO:0014442, OMIM 615991.

Submissions (5):

ClinGen Leber Congenital Amaurosis/early Onset Retinal Dystrophy Variant Curation Expert Panel, ClinGen
Classification: Likely pathogenic for CEP290-related ciliopathy. Last evaluated: 2026-07-20. Review status: reviewed by expert panel. Criteria: ClinGen LCAeoRD ACMG Specifications CEP290 V1.0.0. Collection method: curation. Allele origin: germline. Inheritance: Autosomal recessive inheritance.
Comment: NM_025114.4(CEP290):c.1347dup (p.Asp450ArgfsTer3) is a frameshift variant that introduces a premature stop codon into exon 14 of 54 and is predicted to lead to nonsense-mediated decay in a gene in which loss-of-function is an established mechanism of disease (PVS1). This variant is present in gnomAD v4.1.1 at a total allele frequency of 0.00001490, with 24 alleles / 1,611,174 total alleles, which is lower than the ClinGen LCA/eoRD VCEP PM2_Supporting threshold of <0.0006 (PM2_Supporting). This variant has been reported in at least 1 proband with early-onset severe retinal dystrophy who harbored the variant in the compound heterozygous state with the NM_025114.4(CEP290):c.223A>G (p.Lys75Glu) variant confirmed in trans (VCEP member-provided data). However, the proband was not counted for PM3 in order to avoid circularity. In summary, this variant meets the criteria to be classified as Likely Pathogenic for CEP290-related ciliopathy based on the ACMG/AMP criteria applied, as specified by the ClinGen LCA/eoRD VCEP: PVS1 and PM2_Supporting. (LCA/eoRD VCEP Specifications for CEP290 Version 1.0.0)

Labcorp Genetics (formerly Invitae), Labcorp
Classification: Pathogenic for Joubert syndrome; Meckel-Gruber syndrome; Nephronophthisis. Last evaluated: 2025-12-28. Review status: criteria provided, single submitter. Criteria: Invitae Variant Classification Sherloc (09022015). Collection method: clinical testing. Allele origin: germline. Not counted in ClinVar's aggregate classification.
Comment: This sequence change creates a premature translational stop signal (p.Asp450Argfs*3) in the CEP290 gene. It is expected to result in an absent or disrupted protein product. Loss-of-function variants in CEP290 are known to be pathogenic (PMID: 16909394, 17345604, 20690115). This variant is present in population databases (rs774490795, gnomAD 0.0009%). This variant has not been reported in the literature in individuals affected with CEP290-related conditions. ClinVar contains an entry for this variant (Variation ID: 866808). For these reasons, this variant has been classified as Pathogenic.

GeneDx
Classification: Likely pathogenic. Last evaluated: 2023-10-18. Review status: criteria provided, single submitter. Criteria: GeneDx Variant Classification Process June 2021. Collection method: clinical testing. Allele origin: germline. Affected: yes. Not counted in ClinVar's aggregate classification.
Comment: Frameshift variant predicted to result in protein truncation or nonsense mediated decay in a gene for which loss of function is a known mechanism of disease; Not observed at significant frequency in large population cohorts (gnomAD); Has not been previously published as pathogenic or benign to our knowledge; This variant is associated with the following publications: (PMID: 31964843)

Baylor Genetics
Classification: Likely pathogenic for Bardet-Biedl syndrome 14. Last evaluated: 2022-03-23. Review status: criteria provided, single submitter. Criteria: ACMG Guidelines, 2015. Collection method: clinical testing. Allele origin: unknown. Not counted in ClinVar's aggregate classification.

Blueprint Genetics
Classification: Likely pathogenic for CEP290-related disorders. Last evaluated: 2020-10-15. Review status: criteria provided, single submitter. Criteria: ACMG Guidelines, 2015. Collection method: clinical testing. Allele origin: germline. Affected: yes. Observed: 3 variant alleles. Not counted in ClinVar's aggregate classification.

Literature cited by the submitters: PubMed 16909394 (cited by Labcorp Genetics (formerly Invitae), Labcorp); PubMed 17345604 (cited by Labcorp Genetics (formerly Invitae), Labcorp); PubMed 20690115 (cited by Labcorp Genetics (formerly Invitae), Labcorp).